The following is an entry in ClinVar:

NM_030928.4(CDT1):c.805C>T (p.Leu269Phe)

Gene: CDT1 (chromatin licensing and DNA replication factor 1; plus strand). Cytogenetic location: 16q24.3.
Variant type: single nucleotide variant.
Coding change: c.805C>T on transcript NM_030928.4 (MANE Select); coding-DNA position 805, C replaced by T.
Protein change: p.Leu269Phe; replaces leucine 269 with phenylalanine.
Molecular consequence: missense variant.
Genome position (GRCh38, 1-based): chr16:88,805,842, C>T. VCF-style: chr16-88805842-C-T. GRCh37 (hg19) VCF-style: chr16-88872250-C-T.
Other names: c.805C>T (NM_030928.3); short protein forms L269F.
Identifiers: ClinVar variation 2104370 (VCV002104370.6), dbSNP rs147045046, ClinGen allele CA8233826.

ClinVar aggregate classification (germline): Uncertain significance. Review status: criteria provided, multiple submitters, no conflicts (2 of 4 stars). 2 submissions from 2 submitters: Uncertain significance (2). Last evaluated 2023-08-02.

Conditions:
Inborn genetic diseases. Identifiers: MedGen C0950123, MeSH D030342.

Allele frequency attached by ClinVar (database versions not stated): gnomAD exomes below 0.00001; ExAC 0.00001; gnomAD 0.00003; TOPMed 0.00003; ESP Exome Variant Server 0.00015.
gnomAD v4.1: 8 of 1,612,872 alleles (0.0005%); highest among the groups gnomAD compares: African/African-American, 0.004%; no homozygotes.

Submissions (2):

Ambry Genetics
Classification: Uncertain significance for Inborn genetic diseases. Last evaluated: 2023-08-02. Review status: criteria provided, single submitter. Criteria: Ambry Variant Classification Scheme 2023. Collection method: clinical testing. Allele origin: germline.

Labcorp Genetics (formerly Invitae), Labcorp
Classification: Uncertain significance. Last evaluated: 2022-02-28. Review status: criteria provided, single submitter. Criteria: Invitae Variant Classification Sherloc (09022015). Collection method: clinical testing. Allele origin: germline.
Comment: In summary, the available evidence is currently insufficient to determine the role of this variant in disease. Therefore, it has been classified as a Variant of Uncertain Significance. Algorithms developed to predict the effect of missense changes on protein structure and function are either unavailable or do not agree on the potential impact of this missense change (SIFT: "Deleterious"; PolyPhen-2: "Probably Damaging"; Align-GVGD: "Class C15"). This variant has not been reported in the literature in individuals affected with CDT1-related conditions. The frequency data for this variant in the population databases is considered unreliable, as metrics indicate poor data quality at this position in the gnomAD database. This sequence change replaces leucine, which is neutral and non-polar, with phenylalanine, which is neutral and non-polar, at codon 269 of the CDT1 protein (p.Leu269Phe).